The following is an entry in ClinVar:

ClinVar aggregate classification (germline): Uncertain significance. Review status: criteria provided, multiple submitters, no conflicts (2 of 4 stars). 2 submissions from 2 submitters: Uncertain significance (2). Last evaluated 2024-12-14.

Conditions:
Developmental and epileptic encephalopathy 94 (DEE94). Also called: Epileptic encephalopathy, childhood-onset; CHD2-Related Neurodevelopmental Disorders. Identifiers: Orphanet 1942, Orphanet 2382, MedGen C3809278, MONDO:0014150, OMIM 615369.

Allele frequency attached by ClinVar (database versions not stated): gnomAD 0.00001 and 0.00002; gnomAD exomes 0.00001 and 0.00002; ExAC 0.00002; TOPMed 0.00002; 1000 Genomes Project 30x 0.00016.
gnomAD v4.1: 24 of 1,613,574 alleles (0.0015%); highest among the groups gnomAD compares: Middle Eastern, 0.017%; no homozygotes.

Submissions (2):

Labcorp Genetics (formerly Invitae), Labcorp
Classification: Uncertain significance for Developmental and epileptic encephalopathy 94. Last evaluated: 2024-12-14. Review status: criteria provided, single submitter. Criteria: Invitae Variant Classification Sherloc (09022015). Collection method: clinical testing. Allele origin: germline.
Comment: This sequence change replaces aspartic acid, which is acidic and polar, with glutamic acid, which is acidic and polar, at codon 856 of the CHD2 protein (p.Asp856Glu). This variant is present in population databases (rs770126779, gnomAD 0.004%). This variant has not been reported in the literature in individuals affected with CHD2-related conditions. ClinVar contains an entry for this variant (Variation ID: 453001). Invitae Evidence Modeling of protein sequence and biophysical properties (such as structural, functional, and spatial information, amino acid conservation, physicochemical variation, residue mobility, and thermodynamic stability) indicates that this missense variant is not expected to disrupt CHD2 protein function with a negative predictive value of 95%. In summary, the available evidence is currently insufficient to determine the role of this variant in disease. Therefore, it has been classified as a Variant of Uncertain Significance.

GeneDx
Classification: Uncertain significance. Last evaluated: 2017-11-03. Review status: criteria provided, single submitter. Criteria: GeneDx Variant Classification (06012015). Collection method: clinical testing. Allele origin: germline. Affected: yes.
Comment: The D856E variant has not been published as a pathogenic variant, nor has it been reported as a benign variant to our knowledge. The D856E variant is observed in 5/111,580 alleles from individuals of European background (Lek et al., 2016). The D856E variant is a conservative amino acid substitution, which is not likely to impact secondary protein structure as these residues share similar properties. This substitution occurs at a position where amino acids with similar properties to Aspartic acid are tolerated across species. In silico analysis is inconsistent in its predictions as to whether or not the variant is damaging to the protein structure/function. Based on the currently available information, it is unclear whether this variant is a pathogenic variant or a rare benign variant.

NM_001271.4(CHD2):c.2568T>A (p.Asp856Glu)

Gene: CHD2 (chromodomain helicase DNA binding protein 2; plus strand). Cytogenetic location: 15q26.1.
Variant type: single nucleotide variant.
Coding change: c.2568T>A on transcript NM_001271.4 (MANE Select); coding-DNA position 2568, T replaced by A.
Protein change: p.Asp856Glu; replaces aspartic acid 856 with glutamic acid.
Molecular consequence: missense variant.
Genome position (GRCh38, 1-based): chr15:92,974,941, T>A. VCF-style: chr15-92974941-T-A. GRCh37 (hg19) VCF-style: chr15-93518171-T-A.
Other names: short protein forms D856E.
Identifiers: ClinVar variation 453001 (VCV000453001.11), dbSNP rs770126779, ClinGen allele CA7748010.